The following is an entry in ClinVar:

ClinVar aggregate classification (germline): Conflicting classifications of pathogenicity. Review status: criteria provided, conflicting classifications (1 of 4 stars). 2 submissions from 2 submitters: Uncertain significance (1); Likely benign (1). Last evaluated 2025-07-28.

Conditions:
Neutropenia, severe congenital, 1, autosomal dominant. Identifiers: MedGen C1859966, MONDO:0042490, OMIM 202700.
Cyclical neutropenia. Also called: Cyclic hematopoiesis; Cyclic Neutropenia. Identifiers: Orphanet 2686, MedGen C0221023, MONDO:0008090, OMIM 162800, HP:0040289. Disease mechanism: loss of function.
Inborn genetic diseases. Identifiers: MedGen C0950123, MeSH D030342.

Allele frequency attached by ClinVar (database versions not stated): ExAC 0.00001; gnomAD exomes 0.00001; TOPMed 0.00001; 1000 Genomes Project 30x 0.00016.

Submissions (2):

Ambry Genetics
Classification: Likely benign for Inborn genetic diseases. Last evaluated: 2025-07-28. Review status: criteria provided, single submitter. Criteria: Ambry Variant Classification Scheme 2023. Collection method: clinical testing. Allele origin: germline.

Labcorp Genetics (formerly Invitae), Labcorp
Classification: Uncertain significance for Neutropenia, severe congenital, 1, autosomal dominant; Cyclical neutropenia. Last evaluated: 2021-11-26. Review status: criteria provided, single submitter. Criteria: Invitae Variant Classification Sherloc (09022015). Collection method: clinical testing. Allele origin: germline.
Comment: In summary, the available evidence is currently insufficient to determine the role of this variant in disease. Therefore, it has been classified as a Variant of Uncertain Significance. Algorithms developed to predict the effect of missense changes on protein structure and function (SIFT, PolyPhen-2, Align-GVGD) all suggest that this variant is likely to be disruptive. This variant has not been reported in the literature in individuals affected with ELANE-related conditions. This variant is present in population databases (rs748345928, gnomAD 0.006%). This sequence change replaces asparagine, which is neutral and polar, with serine, which is neutral and polar, at codon 173 of the ELANE protein (p.Asn173Ser).

NM_001972.4(ELANE):c.518A>G (p.Asn173Ser)

Gene: ELANE (elastase, neutrophil expressed; plus strand). Cytogenetic location: 19p13.3.
Variant type: single nucleotide variant.
Coding change: c.518A>G on transcript NM_001972.4 (MANE Select); coding-DNA position 518, A replaced by G.
Protein change: p.Asn173Ser; replaces asparagine 173 with serine.
Molecular consequence: missense variant.
Genome position (GRCh38, 1-based): chr19:855,715, A>G. VCF-style: chr19-855715-A-G. GRCh37 (hg19) VCF-style: chr19-855715-A-G.
Other names: c.518A>G (NM_001972.2); short protein forms N173S.
Identifiers: ClinVar variation 1512675 (VCV001512675.7), dbSNP rs748345928, ClinGen allele CA9026082.
Genomic context (GRCh38, chr19:855,715, plus strand): 5'-CCATGGGCTGGGGCCTTCTGGGCAGGAACCGTGGGATCGCCAGCGTCCTGCAGGAGCTCA[A>G]CGTGACGGTGGTGACGTCCCTCTGCCGTCGCAGCAACGTCTGCACTCTCGTGAGGGGCCG-3'
Protein context (NP_001963.1, residues 163-183): RGIASVLQEL[Asn173Ser]VTVVTSLCRR